The following is an entry in ClinVar:

NM_018834.6(MATR3):c.40T>C (p.Ser14Pro)

Gene: MATR3 (matrin 3; plus strand). Cytogenetic location: 5q31.2.
Variant type: single nucleotide variant.
Coding change: c.40T>C on transcript NM_018834.6 (MANE Select); coding-DNA position 40, T replaced by C.
Protein change: p.Ser14Pro; replaces serine 14 with proline.
Molecular consequence: missense variant. On other transcripts: intron variant (11).
Genome position (GRCh38, 1-based): chr5:139,307,455, T>C. VCF-style: chr5-139307455-T-C. GRCh37 (hg19) VCF-style: chr5-138643144-T-C.
Other names: c.40T>C, p.Ser14Pro (NM_001400452.1, NM_001400454.1, NM_001400453.1 and 16 more transcripts); c.52-7220T>C (NM_001400459.1); c.-102-7220T>C (NM_001400463.1, NM_001400460.1, NM_001282278.2 and 3 more transcripts); c.-40-8242T>C (NM_001400462.1, NM_001400467.1); c.13-7220T>C (NM_001400461.1); c.49-7220T>C (NM_001194956.2); short protein forms S14P.
Identifiers: ClinVar variation 3637842 (VCV003637842.2).

ClinVar aggregate classification (germline): Uncertain significance (1 of 4 stars; one submission).

Conditions:
Amyotrophic lateral sclerosis type 21. Also called: VOCAL CORD AND PHARYNGEAL DYSFUNCTION WITH DISTAL MYOPATHY; MYOPATHY, DISTAL, 2. Identifiers: Orphanet 600, Orphanet 803, MedGen C3807521, MONDO:0011632, OMIM 606070.

gnomAD v4.1: 4 of 1,614,126 alleles (0.00025%); highest among the groups gnomAD compares: Admixed American, 0.0067%; no homozygotes.

Submission:

Labcorp Genetics (formerly Invitae), Labcorp
Classification: Uncertain significance for Amyotrophic lateral sclerosis type 21. Last evaluated: 2024-06-12. Review status: criteria provided, single submitter. Criteria: Invitae Variant Classification Sherloc (09022015). Collection method: clinical testing. Allele origin: germline.
Comment: This sequence change replaces serine, which is neutral and polar, with proline, which is neutral and non-polar, at codon 14 of the MATR3 protein (p.Ser14Pro). This variant is present in population databases (no rsID available, gnomAD 0.01%). This variant has not been reported in the literature in individuals affected with MATR3-related conditions. An algorithm developed to predict the effect of missense changes on protein structure and function (PolyPhen-2) suggests that this variant is likely to be disruptive. In summary, the available evidence is currently insufficient to determine the role of this variant in disease. Therefore, it has been classified as a Variant of Uncertain Significance.